The following is an entry in ClinVar:

ClinVar aggregate classification (germline): Uncertain significance (1 of 4 stars; one submission).

Conditions:
MOGS-congenital disorder of glycosylation. Also called: MOGS-CDG; CDG 2B; CDG IIb; GLUCOSIDASE I DEFICIENCY. Identifiers: Orphanet 79330, MedGen C1853736, MONDO:0011629, OMIM 606056.

gnomAD v4.1: 1 of 1,614,094 alleles (0.000062%); highest among the groups gnomAD compares: Admixed American, 0.0017%; no homozygotes.

Submission:

Labcorp Genetics (formerly Invitae), Labcorp
Classification: Uncertain significance for MOGS-congenital disorder of glycosylation. Last evaluated: 2024-02-18. Review status: criteria provided, single submitter. Criteria: Invitae Variant Classification Sherloc (09022015). Collection method: clinical testing. Allele origin: germline.
Comment: This sequence change replaces serine, which is neutral and polar, with proline, which is neutral and non-polar, at codon 266 of the MOGS protein (p.Ser266Pro). This variant is not present in population databases (gnomAD no frequency). This variant has not been reported in the literature in individuals affected with MOGS-related conditions. Advanced modeling of protein sequence and biophysical properties (such as structural, functional, and spatial information, amino acid conservation, physicochemical variation, residue mobility, and thermodynamic stability) performed at Invitae indicates that this missense variant is not expected to disrupt MOGS protein function with a negative predictive value of 80%. In summary, the available evidence is currently insufficient to determine the role of this variant in disease. Therefore, it has been classified as a Variant of Uncertain Significance.

NM_006302.3(MOGS):c.796T>C (p.Ser266Pro)

Gene: MOGS (mannosyl-oligosaccharide glucosidase; minus strand). Cytogenetic location: 2p13.1.
Variant type: single nucleotide variant.
Coding change: c.796T>C on transcript NM_006302.3 (MANE Select); coding-DNA position 796, T replaced by C.
Protein change: p.Ser266Pro; replaces serine 266 with proline.
Molecular consequence: missense variant.
Genome position (GRCh38, 1-based): chr2:74,462,993, A>G on the plus strand (T>C on the coding strand, the complement: MOGS is on the minus strand). VCF-style: chr2-74462993-A-G. GRCh37 (hg19) VCF-style: chr2-74690120-A-G.
Other names: c.478T>C, p.Ser160Pro (NM_001146158.2); short protein forms S160P, S266P.
Identifiers: ClinVar variation 3623975 (VCV003623975.2).